The following is an entry in ClinVar:

NM_144573.4(NEXN):c.1878dup (p.Asp627fs)

Gene: NEXN (nexilin F-actin binding protein; plus strand). Cytogenetic location: 1p31.1.
Variant type: Duplication.
Coding change: c.1878dup on transcript NM_144573.4 (MANE Select); coding-DNA position 1878, one base duplicated (A; older notation c.1878dupA).
Protein change: p.Asp627fs; shifts the reading frame from aspartic acid 627.
Molecular consequence: frameshift variant.
Genome position (GRCh38, 1-based): chr1:77,942,679, A duplicated; the last of 2 consecutive A bases (chr1:77,942,678-77,942,679); duplicating either gives the same sequence. VCF-style (leftmost placement, unchanged base first): chr1-77942677-G-GA. GRCh37 (hg19) VCF-style: chr1-78408362-G-GA.
Other names: c.1686dup, p.Asp563fs (NM_001172309.2); short protein forms D563fs, D627fs.
Identifiers: ClinVar variation 1305489 (VCV001305489.5), dbSNP rs2102181621, ClinGen allele CA2573051622.

ClinVar aggregate classification (germline): Conflicting classifications of pathogenicity. Review status: criteria provided, conflicting classifications (1 of 4 stars). 2 submissions from 2 submitters: Likely pathogenic (1); Uncertain significance (1). Last evaluated 2019-04-29.

Conditions:
Left ventricular noncompaction cardiomyopathy. Also called: left ventricular non-compaction cardiomyopathy. Identifiers: MedGen C4021133, HP:0011664.

Submissions (2):

GeneDx
Classification: Uncertain significance. Last evaluated: 2019-04-29. Review status: criteria provided, single submitter. Criteria: GeneDx Variant Classification Process June 2021. Collection method: clinical testing. Allele origin: germline. Affected: yes.
Comment: Has not been previously published as pathogenic or benign to our knowledge; Not observed in large population cohorts (Lek et al., 2016); Frameshift variant predicted to result in protein truncation as the last 49 amino acids are lost and replaced with 5 incorrect amino acids; Although other truncating variants in NEXN have been reported in HGMD in association with cardiomyopathy, the majority of the NEXN variants reported in HGMD are missense variants (Stenson et al., 2014)

Klaassen Lab, Charite University Medicine Berlin
Classification: Likely pathogenic for Left ventricular noncompaction cardiomyopathy. Review status: criteria provided, single submitter. Criteria: ACMG Guidelines, 2015. Collection method: research. Allele origin: germline. Affected: yes.

Literature cited by the submitters: PubMed 34540771 (cited by Klaassen Lab, Charite University Medicine Berlin).